The following is an entry in ClinVar:

NM_003738.5(PTCH2):c.1541T>C (p.Leu514Pro)

Gene: PTCH2 (patched 2; minus strand). Cytogenetic location: 1p34.1.
Variant type: single nucleotide variant.
Coding change: c.1541T>C on transcript NM_003738.5 (MANE Select); coding-DNA position 1541, T replaced by C.
Protein change: p.Leu514Pro; replaces leucine 514 with proline.
Molecular consequence: missense variant.
Genome position (GRCh38, 1-based): chr1:44,828,555, A>G on the plus strand (T>C on the coding strand, the complement: PTCH2 is on the minus strand). VCF-style: chr1-44828555-A-G. GRCh37 (hg19) VCF-style: chr1-45294227-A-G.
Other names: c.1541T>C, p.Leu514Pro (NM_001166292.2); short protein forms L514P.
Identifiers: ClinVar variation 3377794 (VCV003377794.1).

ClinVar aggregate classification (germline): Uncertain significance (1 of 4 stars; one submission).

Conditions:
Basal cell nevus syndrome 1 (BCNS1). Also called: GORLIN-GOLTZ SYNDROME; MULTIPLE BASAL CELL NEVI, ODONTOGENIC KERATOCYSTS, AND SKELETAL ANOMALIES. Identifiers: MedGen CN376810, MONDO:0958174, OMIM 109400.

Submission:

St. Jude Molecular Pathology, St. Jude Children's Research Hospital
Classification: Uncertain significance for Basal cell nevus syndrome 1. Last evaluated: 2024-01-13. Review status: criteria provided, single submitter. Criteria: St. Jude Assertion Criteria 2020. Collection method: clinical testing. Allele origin: germline.
Comment: The PTCH2 c.1541T>C (p.Leu514Pro) missense change is absent in gnomAD v2.1.1. The in silico tool REVEL predicts a deleterious effect on protein function, but this prediction has not been confirmed by functional studies. This variant has not been reported in individuals with nevoid basal cell carcinoma syndrome.??In summary, the evidence currently available is insufficient to determine the clinical significance of this variant. It has therefore been classified as of uncertain significance.??